The following is an entry in ClinVar:

ClinVar aggregate classification (germline): Likely benign. Review status: criteria provided, single submitter (1 of 4 stars). 2 submissions from 2 submitters: Likely benign (1). 1 of the submissions does not count toward it. Last evaluated 2023-09-25.

Conditions:
Rubinstein-Taybi syndrome (RSTS). Identifiers: Orphanet 783, MedGen C0035934, MONDO:0019188.
CREBBP-related disorder. Also called: CREBBP-related condition; CREBBP-related disorders.

Submissions (2):

Labcorp Genetics (formerly Invitae), Labcorp
Classification: Likely benign for Rubinstein-Taybi syndrome. Last evaluated: 2023-09-25. Review status: criteria provided, single submitter. Criteria: Invitae Variant Classification Sherloc (09022015). Collection method: clinical testing. Allele origin: germline.

PreventionGenetics, part of Exact Sciences
Classification: Likely benign for CREBBP-related condition. Last evaluated: 2024-07-16. Review status: no assertion criteria provided. Collection method: clinical testing. Allele origin: germline. Not counted in ClinVar's aggregate classification.
Comment: This variant is classified as likely benign based on ACMG/AMP sequence variant interpretation guidelines (Richards et al. 2015 PMID: 25741868, with internal and published modifications).

NM_004380.3(CREBBP):c.4329T>A (p.Arg1443=)

Gene: CREBBP (CREB binding lysine acetyltransferase; minus strand). Cytogenetic location: 16p13.3.
Variant type: single nucleotide variant.
Coding change: c.4329T>A on transcript NM_004380.3 (MANE Select); coding-DNA position 4329, T replaced by A.
Protein change: p.Arg1443=; no amino-acid change (arginine 1443 retained).
Molecular consequence: synonymous variant.
Genome position (GRCh38, 1-based): chr16:3,738,624, A>T on the plus strand (T>A on the coding strand, the complement: CREBBP is on the minus strand). VCF-style: chr16-3738624-A-T. GRCh37 (hg19) VCF-style: chr16-3788625-A-T.
Other names: c.4329T>A (NM_004380.2); c.4215T>A, p.Arg1405= (NM_001079846.1).
Identifiers: ClinVar variation 1949729 (VCV001949729.6), dbSNP rs1042487325, ClinGen allele CA276981759.